The following is an entry in ClinVar:

NM_001267550.2(TTN):c.90691C>T (p.Pro30231Ser)

Genes: TTN-AS1 (TTN antisense RNA 1; plus strand), TTN (titin; minus strand). Cytogenetic location: 2q31.2.
Variant type: single nucleotide variant.
Coding change: c.90691C>T on transcript NM_001267550.2 (MANE Select); coding-DNA position 90691, C replaced by T.
Protein change: p.Pro30231Ser; replaces proline 30231 with serine.
Molecular consequence: missense variant.
Genome position (GRCh38, 1-based): chr2:178,552,209, G>A on the plus strand (C>T on the coding strand, the complement: TTN is on the minus strand). VCF-style: chr2-178552209-G-A. GRCh37 (hg19) VCF-style: chr2-179416936-G-A.
Other names: c.85768C>T, p.Pro28590Ser (NM_001256850.1); c.63496C>T, p.Pro21166Ser (NM_003319.4); c.82987C>T, p.Pro27663Ser (NM_133378.4); c.63871C>T, p.Pro21291Ser (NM_133432.3); c.64072C>T, p.Pro21358Ser (NM_133437.4); short protein forms P27663S, P30231S, P28590S, P21358S, P21291S, P21166S.
Identifiers: ClinVar variation 497188 (VCV000497188.16), dbSNP rs373722546, ClinGen allele CA1987758.

ClinVar aggregate classification (germline): Conflicting classifications of pathogenicity. Review status: criteria provided, conflicting classifications (1 of 4 stars). 6 submissions from 6 submitters: Uncertain significance (5); Likely benign (1). Last evaluated 2024-03-22.

Conditions:
Cardiovascular phenotype. Identifiers: MedGen CN230736.
Dilated cardiomyopathy 1G (CMD1G). Identifiers: Orphanet 154, MedGen C1858763, MONDO:0011400, OMIM 604145.
Autosomal recessive limb-girdle muscular dystrophy type 2J (LGMDR10). Also called: MUSCULAR DYSTROPHY, LIMB-GIRDLE, AUTOSOMAL RECESSIVE 10; Limb-girdle muscular dystrophy, type 2J. Identifiers: Orphanet 140922, MedGen C1837342, MONDO:0012127, OMIM 608807.

Allele frequency attached by ClinVar (database versions not stated): gnomAD exomes 0.00001 and 0.00004; ExAC 0.00006; TOPMed 0.00010; gnomAD 0.00012 and 0.00013; ESP Exome Variant Server 0.00016; 1000 Genomes Project 30x 0.00047; 1000 Genomes Project 0.00060.
gnomAD v4.1: 29 of 1,613,472 alleles (0.0018%); highest among the groups gnomAD compares: African/African-American, 0.037%; no homozygotes.

Submissions (6):

Women's Health and Genetics/Laboratory Corporation of America, LabCorp
Classification: Uncertain significance. Last evaluated: 2024-03-22. Review status: criteria provided, single submitter. Criteria: LabCorp Variant Classification Summary - May 2015. Collection method: clinical testing. Allele origin: germline.
Comment: Variant summary: TTN c.82987C>T (p.Pro27663Ser) results in a non-conservative amino acid change located in the A-band domain of the encoded protein sequence. Three of three in-silico tools predict a damaging effect of the variant on protein function. The variant allele was found at a frequency of 3.6e-05 in 247906 control chromosomes. The available data on variant occurrences in the general population are insufficient to allow any conclusion about variant significance. To our knowledge, no occurrence of c.82987C>T in individuals affected with Limb-Girdle Muscular Dystrophy, Type 2J and no experimental evidence demonstrating its impact on protein function have been reported. ClinVar contains an entry for this variant (Variation ID: 497188). Based on the evidence outlined above, the variant was classified as uncertain significance.

Revvity Omics, Revvity
Classification: Uncertain significance. Last evaluated: 2021-08-09. Review status: criteria provided, single submitter. Criteria: ACMG Guidelines, 2015. Collection method: clinical testing. Allele origin: germline.

GeneDx
Classification: Likely benign. Last evaluated: 2019-12-18. Review status: criteria provided, single submitter. Criteria: GeneDx Variant Classification Process June 2021. Collection method: clinical testing. Allele origin: germline. Affected: yes.

Ambry Genetics
Classification: Uncertain significance for Cardiovascular phenotype. Last evaluated: 2019-07-26. Review status: criteria provided, single submitter. Criteria: Ambry Variant Classification Scheme 2023. Collection method: clinical testing. Allele origin: germline.
Comment: The p.P21166S variant (also known as c.63496C>T), located in coding exon 162 of the TTN gene, results from a C to T substitution at nucleotide position 63496. The proline at codon 21166 is replaced by serine, an amino acid with similar properties. This amino acid position is highly conserved in available vertebrate species. In addition, the in silico prediction for this alteration is inconclusive. Since supporting evidence is limited at this time, the clinical significance of this alteration remains unclear.

Labcorp Genetics (formerly Invitae), Labcorp
Classification: Uncertain significance for Dilated cardiomyopathy 1G; Autosomal recessive limb-girdle muscular dystrophy type 2J. Last evaluated: 2017-12-22. Review status: criteria provided, single submitter. Criteria: Invitae Variant Classification Sherloc (09022015). Collection method: clinical testing. Allele origin: germline.

Eurofins Ntd Llc (ga)
Classification: Uncertain significance. Last evaluated: 2017-04-03. Review status: criteria provided, single submitter. Criteria: EGL Classification Definitions 2015. Collection method: clinical testing. Allele origin: germline. Observed: 2 variant alleles, 2 heterozygotes.